The following is an entry in ClinVar:

NM_001165963.4(SCN1A):c.5301_5304del (p.Ser1768fs)

Genes: SCN1A (sodium voltage-gated channel alpha subunit 1; minus strand), LOC102724058 (uncharacterized LOC102724058; plus strand). Cytogenetic location: 2q24.3.
Variant type: Deletion.
Coding change: c.5301_5304del on transcript NM_001165963.4 (MANE Select); coding-DNA positions 5301 to 5304, 4 bases deleted (CAGT; older notation c.5301_5304delCAGT).
Protein change: p.Ser1768fs; shifts the reading frame from serine 1768.
Molecular consequence: frameshift variant. On other transcripts: non-coding transcript variant (1).
Genome position (GRCh38, 1-based): chr2:165,991,971-165,991,974, ACTG deleted on the plus strand (CAGT on the coding strand, the reverse complement: SCN1A is on the minus strand); deleting any 4 consecutive bases within chr2:165,991,971-165,991,976 gives the same sequence; the c. name uses the placement nearest the transcript's 3' end. VCF-style (leftmost placement, unchanged base first): chr2-165991970-AACTG-A. GRCh37 (hg19) VCF-style: chr2-166848480-AACTG-A.
Other names: c.5217_5220del, p.Ser1740fs (NM_001165964.3, NM_001353957.2, NM_001353958.2); c.5301_5304del, p.Ser1768fs (NM_001202435.3, NM_001353948.2); c.5268_5271del, p.Ser1757fs (NM_001353949.2, NM_001353950.2, NM_001353951.2 and 2 more transcripts); c.5265_5268del, p.Ser1756fs (NM_001353954.2, NM_001353955.2); c.5214_5217del, p.Ser1739fs (NM_001353960.2); c.2859_2862del, p.Ser954fs (NM_001353961.2); short protein forms S1739fs, S1740fs, S1756fs, S1757fs, S1768fs, S954fs.
Identifiers: ClinVar variation 4795208 (VCV004795208.1).

ClinVar aggregate classification (germline): Uncertain significance (1 of 4 stars; one submission).

Conditions:
SCN1A-related disorder. Also called: SCN1A-related conditions; SCN1A-related condition; SCN1A-related disorders.

Submission:

Laboratorio de Biologia Molecular/Medicina Genomica - IFF/Fiocruz, Instituto Fernandes Figueira, Fundacao Oswaldo Cruz
Classification: Uncertain significance for SCN1A-related conditions. Last evaluated: 2025-09-01. Review status: criteria provided, single submitter. Criteria: ACMG Guidelines, 2015. Collection method: clinical testing. Allele origin: germline. Affected: yes. Observed: 1 variant allele.
Comment: Variant: c.5301_5304del (p.Ser1768Thrfs*10) in exon 29 of the SCN1A gene. Protein effect: Frameshift variant not predicted to undergo NMD, but truncated/altered region is critical to protein function. Population database (gnomAD): Absent. ACMG/AMP criteria applied: PVS1_Strong, PM2_Supporting